The following is an entry in ClinVar:

ClinVar aggregate classification (germline): Likely benign. Review status: criteria provided, multiple submitters, no conflicts (2 of 4 stars). 2 submissions from 2 submitters: Likely benign (2). Last evaluated 2025-03-20.

Conditions:
Hereditary breast ovarian cancer syndrome. Also called: Hereditary breast and/or ovarian cancer syndrome; Hereditary breast and ovarian cancer syndrome; Hereditary breast and ovarian cancer syndrome (HBOC); Hereditary breast and ovarian cancer; BRCA1- and BRCA2-Associated Hereditary Breast and Ovarian Cancer; Breast and ovarian cancer. Identifiers: Orphanet 145, MedGen C0677776, MeSH D061325, MONDO:0003582. Disease mechanism: loss of function.

Allele frequency attached by ClinVar (database versions not stated): gnomAD exomes below 0.00001.
gnomAD v4.1: 1 of 1,613,814 alleles (0.000062%); highest among the groups gnomAD compares: Admixed American, 0.0017%; no homozygotes.

Submissions (2):

Labcorp Genetics (formerly Invitae), Labcorp
Classification: Likely benign for Hereditary breast ovarian cancer syndrome. Last evaluated: 2025-03-20. Review status: criteria provided, single submitter. Criteria: Invitae Variant Classification Sherloc (09022015). Collection method: clinical testing. Allele origin: germline.

GeneDx
Classification: Likely benign. Last evaluated: 2016-01-06. Review status: criteria provided, single submitter. Criteria: GeneDx Variant Classification (06012015). Collection method: clinical testing. Allele origin: germline. Affected: yes.
Comment: This variant is considered likely benign or benign based on one or more of the following criteria: it is a conservative change, it occurs at a poorly conserved position in the protein, it is predicted to be benign by multiple in silico algorithms, and/or has population frequency not consistent with disease.

NM_007294.4(BRCA1):c.4986+15A>G

Gene: BRCA1 (BRCA1 DNA repair associated; minus strand). Cytogenetic location: 17q21.31.
Variant type: single nucleotide variant.
Coding change: c.4986+15A>G on transcript NM_007294.4 (MANE Select); 15 bases into the intron after coding-DNA position 4986, A replaced by G.
Molecular consequence: intron variant.
Genome position (GRCh38, 1-based): chr17:43,070,913, T>C on the plus strand (A>G on the coding strand, the complement: BRCA1 is on the minus strand). VCF-style: chr17-43070913-T-C. GRCh37 (hg19) VCF-style: chr17-41222930-T-C.
Other names: c.1533+15A>G (NM_001408458.1, NM_001408461.1, NM_001408464.1 and 7 more transcripts); c.4095+15A>G (NM_001407967.1); c.4605+15A>G (NM_001407959.1); c.4719+15A>G (NM_001407931.1, NM_001407932.1, NM_001407928.1 and 4 more transcripts); c.4842+15A>G (NM_001407747.1, NM_001407745.1, NM_001407737.1 and 21 more transcripts); c.4602+15A>G (NM_001407962.1, NM_001407960.1); c.1173+15A>G (NM_001408512.1); c.1296+15A>G (NM_001408510.1); and 71 more.
Identifiers: ClinVar variation 379464 (VCV000379464.13), dbSNP rs1057520602, ClinGen allele CA16607258.
Genomic context (GRCh38, chr17:43,070,913, plus strand): 5'-CAATACCTACATAAAACTCTTTCCAGAATGTTGTTAAGTCTTAGTCATTAGGGAGATACA[T>C]ATGGATACACTCACAAATTCTTCTGGGGTCAGGCCAGACACCACCATGGACATTCTTTTG-3'